The following is an entry in ClinVar:

ClinVar aggregate classification (germline): Uncertain significance (1 of 4 stars; one submission).

Allele frequency attached by ClinVar (database versions not stated): gnomAD exomes below 0.00001; ExAC 0.00001.
gnomAD v4.1: 1 of 1,614,000 alleles (0.000062%); highest among the groups gnomAD compares: Admixed American, 0.0017%; no homozygotes.

Submission:

Ambry Genetics
Classification: Uncertain significance. Last evaluated: 2022-05-21. Review status: criteria provided, single submitter. Criteria: Ambry Variant Classification Scheme 2023. Collection method: clinical testing. Allele origin: germline.
Comment: The p.T609I variant (also known as c.1826C>T), located in coding exon 16 of the BUB1 gene, results from a C to T substitution at nucleotide position 1826. The threonine at codon 609 is replaced by isoleucine, an amino acid with similar properties. This amino acid position is conserved. In addition, the in silico prediction for this alteration is inconclusive. Since supporting evidence is limited at this time, the clinical significance of this alteration remains unclear.

NM_004336.5(BUB1):c.1826C>T (p.Thr609Ile)

Gene: BUB1 (BUB1 mitotic checkpoint serine/threonine kinase; minus strand). Cytogenetic location: 2q13.
Variant type: single nucleotide variant.
Coding change: c.1826C>T on transcript NM_004336.5 (MANE Select); coding-DNA position 1826, C replaced by T.
Protein change: p.Thr609Ile; replaces threonine 609 with isoleucine.
Molecular consequence: missense variant.
Genome position (GRCh38, 1-based): chr2:110,655,789, G>A on the plus strand (C>T on the coding strand, the complement: BUB1 is on the minus strand). VCF-style: chr2-110655789-G-A. GRCh37 (hg19) VCF-style: chr2-111413366-G-A.
Other names: c.1766C>T, p.Thr589Ile (NM_001278616.2); c.1826C>T, p.Thr609Ile (NM_001278617.2); short protein forms T609I, T589I.
Identifiers: ClinVar variation 1780848 (VCV001780848.2), dbSNP rs745889829, ClinGen allele CA1827963.